The following is an entry in ClinVar:

ClinVar aggregate classification (germline): Conflicting classifications of pathogenicity. Review status: criteria provided, conflicting classifications (1 of 4 stars). 4 submissions from 4 submitters: Uncertain significance (2); Likely benign (1). 1 of the submissions does not count toward it. Last evaluated 2025-06-12.

Conditions:
Proteinuria, chronic benign. Identifiers: MedGen C5394384, MONDO:0030042, OMIM 618884.
Imerslund-Grasbeck syndrome type 1 (IGS1). Also called: Megaloblastic anemia 1, Finnish type; MEGALOBLASTIC ANEMIA, 1; Imerslund-Gräsbeck syndrome 1. Identifiers: MedGen C4016819, MONDO:0100156, OMIM 261100.
Imerslund-Grasbeck syndrome. Also called: Megaloblastic anemia due to inborn errors of metabolism; PERNICIOUS ANEMIA, JUVENILE, DUE TO SELECTIVE INTESTINAL MALABSORPTION OF VITAMIN B12, WITH PROTEINURIA; ENTEROCYTE COBALAMIN MALABSORPTION; ENTEROCYTE INTRINSIC FACTOR RECEPTOR, DEFECT OF; Imerslund-Gräsbeck syndrome. Identifiers: Orphanet 35858, MedGen C4551825, MONDO:0009853.

Allele frequency attached by ClinVar (database versions not stated): gnomAD 0.00076 and 0.00068; ExAC 0.00020; gnomAD exomes 0.00007 and 0.00018; 1000 Genomes Project 0.00020; ESP Exome Variant Server 0.00038; TOPMed 0.00062; 1000 Genomes Project 30x 0.00016.

Submissions (4):

Labcorp Genetics (formerly Invitae), Labcorp
Classification: Likely benign for Imerslund-Grasbeck syndrome. Last evaluated: 2025-06-12. Review status: criteria provided, single submitter. Criteria: Invitae Variant Classification Sherloc (09022015). Collection method: clinical testing. Allele origin: germline.

Fulgent Genetics
Classification: Uncertain significance for Imerslund-Grasbeck syndrome type 1; Proteinuria, chronic benign. Last evaluated: 2024-05-14. Review status: criteria provided, single submitter. Criteria: ACMG Guidelines, 2015. Collection method: clinical testing. Allele origin: germline.

Mayo Clinic Laboratories, Mayo Clinic
Classification: Uncertain significance. Last evaluated: 2023-10-04. Review status: criteria provided, single submitter. Criteria: ACMG Guidelines, 2015. Collection method: clinical testing. Allele origin: germline. Observed: 1 variant allele.
Comment: PVS1_supporting

GeneDx
Classification: Likely pathogenic. Last evaluated: 2016-11-22. Review status: flagged submission. Criteria: GeneDx Variant Classification (06012015). Collection method: clinical testing. Allele origin: germline. Affected: yes. Not counted in ClinVar's aggregate classification.
Comment: The c.3G>T variant in the CUBN gene has not been reported previously as a pathogenic variant, nor as a benign variant, to our knowledge. As this variant changes the translation initiator Methionine codon, the resultant protein is described as p.Met1?, using a question mark to signify that it is not known if the loss of Met1 means that all protein translation is completely prevented or if an abnormal protein is produced using an alternate Methionine. The c.3G>T variant was not observed with any significant frequency in approximately 6500 individuals of European and African American ancestry in the NHLBI Exome Sequencing Project, indicating it is not a common benign variant in these populations. The c.3G>T variant is a strong candidate for a pathogenic variant, however the possibility it may be a rare benign variant cannot be excluded.
ClinVar note: Reason: Outlier claim with insufficient supporting evidence

Literature cited by the submitters: PubMed 27766458 (cited by Mayo Clinic Laboratories, Mayo Clinic); PubMed 35460704 (cited by Mayo Clinic Laboratories, Mayo Clinic).

NM_001081.4(CUBN):c.3G>T (p.Met1Ile)

Gene: CUBN (cubilin; minus strand). Cytogenetic location: 10p13.
Variant type: single nucleotide variant.
Coding change: c.3G>T on transcript NM_001081.4 (MANE Select); coding-DNA position 3, G replaced by T.
Protein change: p.Met1Ile; changes the start codon (methionine 1).
Molecular consequence: missense variant, initiator codon variant.
Genome position (GRCh38, 1-based): chr10:17,129,763, C>A on the plus strand (G>T on the coding strand, the complement: CUBN is on the minus strand). VCF-style: chr10-17129763-C-A. GRCh37 (hg19) VCF-style: chr10-17171762-C-A.
Other names: p.Met1?; short protein forms M1I.
Identifiers: ClinVar variation 373456 (VCV000373456.12), dbSNP rs11254385, ClinGen allele CA5425815.